The following is an entry in ClinVar:

ClinVar aggregate classification (germline): Uncertain significance (1 of 4 stars; one submission).

Conditions:
Anauxetic dysplasia. Identifiers: Orphanet 93347, MedGen C1846796, MONDO:0011773.

Allele frequency attached by ClinVar (database versions not stated): TOPMed 0.00037; gnomAD exomes 0.00003; 1000 Genomes Project 30x 0.00062; 1000 Genomes Project 0.00060.

Submission:

Labcorp Genetics (formerly Invitae), Labcorp
Classification: Uncertain significance for Anauxetic dysplasia. Last evaluated: 2022-08-23. Review status: criteria provided, single submitter. Criteria: Invitae Variant Classification Sherloc (09022015). Collection method: clinical testing. Allele origin: germline.
Comment: This variant occurs in the RMRP gene, which encodes an RNA molecule that does not result in a protein product. This variant is present in population databases (rs553651882, gnomAD 0.1%). This variant has not been reported in the literature in individuals affected with RMRP-related conditions. ClinVar contains an entry for this variant (Variation ID: 970375). Experimental studies and prediction algorithms are not available or were not evaluated, and the functional significance of this variant is currently unknown. In summary, the available evidence is currently insufficient to determine the role of this variant in disease. Therefore, it has been classified as a Variant of Uncertain Significance.

NC_000009.12:g.35658095G>A

Gene: RMRP (RNA component of mitochondrial RNA processing endoribonuclease; minus strand). Cytogenetic location: 9p13.3.
Variant type: single nucleotide variant.
Genome position: GRCh38 VCF-style: chr9-35658095-G-A. GRCh37 (hg19) VCF-style: chr9-35658092-G-A.
Identifiers: ClinVar variation 970375 (VCV000970375.3), dbSNP rs553651882, ClinGen allele CA192745806.